The following is an entry in ClinVar:

NM_033022.4(RPS24):c.4-3C>G

Gene: RPS24 (ribosomal protein S24; plus strand). Cytogenetic location: 10q22.3.
Variant type: single nucleotide variant.
Coding change: c.4-3C>G on transcript NM_033022.4 (MANE Select); 3 bases into the intron before coding-DNA position 4, C replaced by G.
Molecular consequence: intron variant.
Genome position (GRCh38, 1-based): chr10:78,035,349, C>G. VCF-style: chr10-78035349-C-G. GRCh37 (hg19) VCF-style: chr10-79795107-C-G.
Other names: c.4-3C>G (NM_001026.5, NM_001142285.2, NM_001142283.2 and 2 more transcripts).
Identifiers: ClinVar variation 3658233 (VCV003658233.2).

ClinVar aggregate classification (germline): Uncertain significance (1 of 4 stars; one submission).

Conditions:
Diamond-Blackfan anemia. Also called: Blackfan Diamond syndrome; Aregenerative anemia chronic congenital; Red cell aplasia, pure hereditary; Congenital hypoplastic anemia; Aase syndrome. Identifiers: Orphanet 124, MedGen C1260899, MeSH D029503, MONDO:0015253, HP:0004810.

Submission:

Labcorp Genetics (formerly Invitae), Labcorp
Classification: Uncertain significance for Diamond-Blackfan anemia. Last evaluated: 2024-06-29. Review status: criteria provided, single submitter. Criteria: Invitae Variant Classification Sherloc (09022015). Collection method: clinical testing. Allele origin: germline.
Comment: This sequence change falls in intron 1 of the RPS24 gene. It does not directly change the encoded amino acid sequence of the RPS24 protein. It affects a nucleotide within the consensus splice site. This variant is not present in population databases (gnomAD no frequency). This variant has not been reported in the literature in individuals affected with RPS24-related conditions. Variants that disrupt the consensus splice site are a relatively common cause of aberrant splicing (PMID: 17576681, 9536098). Algorithms developed to predict the effect of sequence changes on RNA splicing suggest that this variant may disrupt the consensus splice site. In summary, the available evidence is currently insufficient to determine the role of this variant in disease. Therefore, it has been classified as a Variant of Uncertain Significance.

Literature cited by the submitters: PubMed 17576681; PubMed 9536098.